The following is an entry in ClinVar:

NM_007194.4(CHEK2):c.1546T>C (p.Ser516Pro)

Gene: CHEK2 (checkpoint kinase 2; minus strand). Cytogenetic location: 22q12.1.
Variant type: single nucleotide variant.
Coding change: c.1546T>C on transcript NM_007194.4 (MANE Select); coding-DNA position 1546, T replaced by C.
Protein change: p.Ser516Pro; replaces serine 516 with proline.
Molecular consequence: missense variant.
Genome position (GRCh38, 1-based): chr22:28,687,983, A>G on the plus strand (T>C on the coding strand, the complement: CHEK2 is on the minus strand). VCF-style: chr22-28687983-A-G. GRCh37 (hg19) VCF-style: chr22-29083971-A-G.
Other names: c.1675T>C, p.Ser559Pro (NM_001005735.3); c.883T>C, p.Ser295Pro (NM_001257387.3); c.1345T>C, p.Ser449Pro (NM_001349956.3); c.1459T>C, p.Ser487Pro (NM_145862.3); short protein forms S487P, S295P, S516P, S449P, S559P.
Identifiers: ClinVar variation 2823686 (VCV002823686.3), dbSNP rs2517749588, ClinGen allele CA411091488.

ClinVar aggregate classification (germline): Uncertain significance (1 of 4 stars; one submission).

Conditions:
Familial cancer of breast. Also called: Hereditary breast cancer; BREAST CANCER, FAMILIAL; hereditary breast carcinoma. Identifiers: Orphanet 227535, MedGen C0346153, MONDO:0016419, OMIM 114480. Disease mechanism: loss of function.

Submission:

Labcorp Genetics (formerly Invitae), Labcorp
Classification: Uncertain significance for Familial cancer of breast. Last evaluated: 2023-08-10. Review status: criteria provided, single submitter. Criteria: Invitae Variant Classification Sherloc (09022015). Collection method: clinical testing. Allele origin: germline.
Comment: In summary, the available evidence is currently insufficient to determine the role of this variant in disease. Therefore, it has been classified as a Variant of Uncertain Significance. An algorithm developed to predict the effect of missense changes on protein structure and function (PolyPhen-2) suggests that this variant is likely to be tolerated. This variant has not been reported in the literature in individuals affected with CHEK2-related conditions. This variant is not present in population databases (gnomAD no frequency). This sequence change replaces serine, which is neutral and polar, with proline, which is neutral and non-polar, at codon 516 of the CHEK2 protein (p.Ser516Pro).